The following is an entry in ClinVar:

NM_004612.4(TGFBR1):c.648T>G (p.Phe216Leu)

Gene: TGFBR1 (transforming growth factor beta receptor 1; plus strand). Cytogenetic location: 9q22.33.
Variant type: single nucleotide variant.
Coding change: c.648T>G on transcript NM_004612.4 (MANE Select); coding-DNA position 648, T replaced by G.
Protein change: p.Phe216Leu; replaces phenylalanine 216 with leucine.
Molecular consequence: missense variant.
Genome position (GRCh38, 1-based): chr9:99,137,932, T>G. VCF-style: chr9-99137932-T-G. GRCh37 (hg19) VCF-style: chr9-101900214-T-G.
Other names: p.F216L:TTT>TTG; c.417T>G, p.Phe139Leu (NM_001130916.3); c.660T>G, p.Phe220Leu (NM_001306210.2); short protein forms F216L, F220L, F139L.
Identifiers: ClinVar variation 213872 (VCV000213872.3), dbSNP rs863223809, ClinGen allele CA321169.
Genomic context (GRCh38, chr9:99,137,932, plus strand): 5'-TGTTCAGAGAACAATTGCGAGAACTATTGTGTTACAAGAAAGCATTGGCAAAGGTCGATT[T>G]GGAGAAGTTTGGAGAGGAAAGTGGCGGGGAGAAGAAGTTGCTGTTAAGATATTCTCCTCT-3'
Protein context (NP_004603.1, residues 206-226): VLQESIGKGR[Phe216Leu]GEVWRGKWRG

ClinVar aggregate classification (germline): Uncertain significance (1 of 4 stars; one submission).

Submission:

GeneDx
Classification: Uncertain significance. Last evaluated: 2024-09-24. Review status: criteria provided, single submitter. Criteria: GeneDx Variant Classification Process June 2021. Collection method: clinical testing. Allele origin: germline. Affected: yes.
Comment: Has not been previously published as pathogenic or benign to our knowledge; Not observed at significant frequency in large population cohorts (gnomAD); In silico analysis supports that this missense variant has a deleterious effect on protein structure/function